The following is an entry in ClinVar:

NM_000443.4(ABCB4):c.2388_2394dup (p.Asp799fs)

Gene: ABCB4 (ATP binding cassette subfamily B member 4; minus strand). Cytogenetic location: 7q21.12.
Variant type: Duplication.
Coding change: c.2388_2394dup on transcript NM_000443.4 (MANE Select); coding-DNA positions 2388 to 2394, 7 bases duplicated (AAGACAG; older notation c.2388_2394dupAAGACAG).
Protein change: p.Asp799fs; shifts the reading frame from aspartic acid 799.
Molecular consequence: frameshift variant.
Genome position (GRCh38, 1-based): chr7:87,419,998-87,420,004, CTGTCTT duplicated on the plus strand (AAGACAG on the coding strand, the reverse complement: ABCB4 is on the minus strand). VCF-style (leftmost placement, unchanged base first): chr7-87419997-C-CCTGTCTT. GRCh37 (hg19) VCF-style: chr7-87049313-C-CCTGTCTT.
Other names: c.2388_2394dup, p.Asp799fs (NM_018849.3, NM_018850.3); short protein forms D799fs.
Identifiers: ClinVar variation 4993274 (VCV004993274.1).

ClinVar aggregate classification (germline): Likely pathogenic (1 of 4 stars; one submission).

Conditions:
ABCB4-related disorder. Also called: ABCB4-related disorders; ABCB4-related condition.

Submission:

PreventionGenetics, part of Exact Sciences
Classification: Likely pathogenic for ABCB4-related condition. Last evaluated: 2026-07-03. Review status: criteria provided, single submitter. Criteria: ACMG Guidelines, 2015. Collection method: clinical testing. Allele origin: germline.
Comment: The ABCB4 c.2388_2394dup7 variant is predicted to result in an in-frame duplication (p.?). To our knowledge, this variant has not been reported in the literature. This variant is reported in 0.00088% of alleles in individuals of European (Non-Finnish) descent in gnomAD. This variant duplicates the last 7 nucleotides of exon 19 and is predicted to abolish the canonical donor splice site and create a new donor splice site (SpliceAI, Jaganathan et al. 2019. PubMed ID: 30661751), which might result in a frameshift variant or possibly to exon 19 skipping (SAI-10k-calc; Canson et al. 2023. PubMed ID: 37021934). Of note, exon 19 harbors at least one pathogenic missense variant which suggests this exon is important for protein function (Schatz et al. 2018. PubMed ID: 29761167). Taken together, this variant is interpreted as likely pathogenic.